The following is an entry in ClinVar:

NM_015202.5(KATNIP):c.4295_4296del (p.Pro1432fs)

Gene: KATNIP (katanin interacting protein; plus strand). Cytogenetic location: 16p12.1.
Variant type: Deletion.
Coding change: c.4295_4296del on transcript NM_015202.5 (MANE Select); coding-DNA positions 4295 to 4296, 2 bases deleted (CC; older notation c.4295_4296delCC).
Protein change: p.Pro1432fs; shifts the reading frame from proline 1432.
Molecular consequence: frameshift variant.
Genome position (GRCh38, 1-based): chr16:27,773,195-27,773,196, CC deleted; deleting any 2 consecutive bases within chr16:27,773,193-27,773,196 gives the same sequence; the c. name uses the placement nearest the transcript's 3' end. VCF-style (leftmost placement, unchanged base first): chr16-27773192-TCC-T. GRCh37 (hg19) VCF-style: chr16-27784513-TCC-T.
Other names: short protein forms P1432fs.
Identifiers: ClinVar variation 4716846 (VCV004716846.1).
Genomic context (GRCh38, chr16:27,773,192, plus strand): 5'-GCGACCCCTACTACATCGGCCTCACCGGCCTGGAGCTGTATGACGAGCGAGGAGAAAAAA[TCC>T]CCTTGTCGGAAAACAGTATCCTTTGTAGGACAGGAGTGGGCTCCACCCAGACTGAAGGGA-3'

ClinVar aggregate classification (germline): Pathogenic (1 of 4 stars; one submission).

Submission:

Labcorp Genetics (formerly Invitae), Labcorp
Classification: Pathogenic. Last evaluated: 2025-04-08. Review status: criteria provided, single submitter. Criteria: Invitae Variant Classification Sherloc (09022015). Collection method: clinical testing. Allele origin: germline.
Comment: This sequence change creates a premature translational stop signal (p.Pro1432Leufs*38) in the KIAA0556 gene. It is expected to result in an absent or disrupted protein product. Loss-of-function variants in KIAA0556 are known to be pathogenic (PMID: 26714646, 27245168). This variant is not present in population databases (gnomAD no frequency). This variant has not been reported in the literature in individuals affected with KIAA0556-related conditions. For these reasons, this variant has been classified as Pathogenic.

Literature cited by the submitters: PubMed 26714646; PubMed 27245168.